The following is an entry in ClinVar:

NM_014363.6(SACS):c.7164C>T (p.Thr2388=)

Gene: SACS (sacsin molecular chaperone; minus strand). Cytogenetic location: 13q12.12.
Variant type: single nucleotide variant.
Coding change: c.7164C>T on transcript NM_014363.6 (MANE Select); coding-DNA position 7164, C replaced by T.
Protein change: p.Thr2388=; no amino-acid change (threonine 2388 retained).
Molecular consequence: synonymous variant.
Genome position (GRCh38, 1-based): chr13:23,336,712, G>A on the plus strand (C>T on the coding strand, the complement: SACS is on the minus strand). VCF-style: chr13-23336712-G-A. GRCh37 (hg19) VCF-style: chr13-23910851-G-A.
Other names: p.Thr2388=; c.6723C>T, p.Thr2241= (NM_001278055.2).
Identifiers: ClinVar variation 700376 (VCV000700376.11), dbSNP rs918107481, ClinGen allele CA246657221.

ClinVar aggregate classification (germline): Likely benign. Review status: criteria provided, multiple submitters, no conflicts (2 of 4 stars). 2 submissions from 2 submitters: Likely benign (2). Last evaluated 2025-10-23.

Conditions:
Spastic paraplegia. Identifiers: MedGen C0037772, HP:0001258.

Allele frequency attached by ClinVar (database versions not stated): gnomAD exomes below 0.00001 and 0.00002; gnomAD 0.00001 and 0.00002; TOPMed 0.00002.
gnomAD v4.1: 35 of 1,613,610 alleles (0.0022%); highest among the groups gnomAD compares: East Asian, 0.0067%; no homozygotes.

Submissions (2):

Mayo Clinic Laboratories, Mayo Clinic
Classification: Likely benign. Last evaluated: 2025-10-23. Review status: criteria provided, single submitter. Criteria: ACMG Guidelines, 2015. Collection method: clinical testing. Allele origin: germline. Observed: 1 variant allele.
Comment: BP4, BP7

Labcorp Genetics (formerly Invitae), Labcorp
Classification: Likely benign for Spastic paraplegia. Last evaluated: 2024-01-16. Review status: criteria provided, single submitter. Criteria: Invitae Variant Classification Sherloc (09022015). Collection method: clinical testing. Allele origin: germline.